The following is an entry in ClinVar:

NM_002661.5(PLCG2):c.184del (p.Glu62fs)

Gene: PLCG2 (phospholipase C gamma 2; plus strand). Cytogenetic location: 16q23.3.
Variant type: Deletion.
Coding change: c.184del on transcript NM_002661.5 (MANE Select); coding-DNA position 184, one base deleted (G; older notation c.184delG).
Protein change: p.Glu62fs; shifts the reading frame from glutamic acid 62.
Molecular consequence: frameshift variant.
Genome position (GRCh38, 1-based): chr16:81,786,173, G deleted. VCF-style (leftmost placement, unchanged base first): chr16-81786172-CG-C. GRCh37 (hg19) VCF-style: chr16-81819777-CG-C.
Other names: c.184del, p.Glu62fs (NM_001425749.1, NM_001425750.1, NM_001425751.1); short protein forms E62fs.
Identifiers: ClinVar variation 5002314 (VCV005002314.1).

ClinVar aggregate classification (germline): Uncertain significance (1 of 4 stars; one submission).

Conditions:
PLCG2-related disorder. Also called: PLCG2-related condition.

Submission:

PreventionGenetics, part of Exact Sciences
Classification: Uncertain significance for PLCG2-related condition. Last evaluated: 2024-12-14. Review status: criteria provided, single submitter. Criteria: ACMG Guidelines, 2015. Collection method: clinical testing. Allele origin: germline.
Comment: The PLCG2 c.184delG variant is predicted to result in a frameshift and premature protein termination (p.Glu62Argfs*9). To our knowledge, this variant has not been reported in the literature or in a large population database (gnomAD), indicating this variant is rare. Loss of function is not an established mechanism of PLCG2-related disease. Although we suspect that this variant may be pathogenic, at this time, the clinical significance of this variant is uncertain due to the absence of conclusive functional and genetic evidence.